The following is an entry in ClinVar:

ClinVar aggregate classification (germline): Uncertain significance (1 of 4 stars; one submission).

Conditions:
Familial adenomatous polyposis 1 (FAP1). Also called: FAMILIAL ADENOMATOUS POLYPOSIS 1, ATTENUATED; POLYPOSIS, ADENOMATOUS INTESTINAL. Identifiers: MedGen C2713442, MONDO:0021056, OMIM 175100. Disease mechanism: loss of function.

Submission:

Labcorp Genetics (formerly Invitae), Labcorp
Classification: Uncertain significance for Familial adenomatous polyposis 1. Last evaluated: 2024-12-25. Review status: criteria provided, single submitter. Criteria: Invitae Variant Classification Sherloc (09022015). Collection method: clinical testing. Allele origin: germline.
Comment: This sequence change replaces arginine, which is basic and polar, with lysine, which is basic and polar, at codon 2311 of the APC protein (p.Arg2311Lys). This variant is not present in population databases (gnomAD no frequency). This variant has not been reported in the literature in individuals affected with APC-related conditions. ClinVar contains an entry for this variant (Variation ID: 236639). Invitae Evidence Modeling of protein sequence and biophysical properties (such as structural, functional, and spatial information, amino acid conservation, physicochemical variation, residue mobility, and thermodynamic stability) indicates that this missense variant is not expected to disrupt APC protein function with a negative predictive value of 95%. In summary, the available evidence is currently insufficient to determine the role of this variant in disease. Therefore, it has been classified as a Variant of Uncertain Significance.

NM_000038.6(APC):c.6932G>A (p.Arg2311Lys)

Gene: APC (APC regulator of Wnt signaling pathway; plus strand). Cytogenetic location: 5q22.2.
Variant type: single nucleotide variant.
Coding change: c.6932G>A on transcript NM_000038.6 (MANE Select); coding-DNA position 6932, G replaced by A.
Protein change: p.Arg2311Lys; replaces arginine 2311 with lysine.
Molecular consequence: missense variant.
Genome position (GRCh38, 1-based): chr5:112,842,526, G>A. VCF-style: chr5-112842526-G-A. GRCh37 (hg19) VCF-style: chr5-112178223-G-A.
Other names: c.6932G>A, p.Arg2311Lys (NM_001127510.3, NM_001354895.2); c.6878G>A, p.Arg2293Lys (NM_001127511.3); c.6986G>A, p.Arg2329Lys (NM_001354896.2); c.6962G>A, p.Arg2321Lys (NM_001354897.2); c.6857G>A, p.Arg2286Lys (NM_001354898.2); c.6848G>A, p.Arg2283Lys (NM_001354899.2); c.6809G>A, p.Arg2270Lys (NM_001354900.2); c.6755G>A, p.Arg2252Lys (NM_001354901.2); and 5 more; short protein forms R2293K, R2311K, R2210K, R2028K, R2151K, R2185K, R2220K, R2286K.
Identifiers: ClinVar variation 236639 (VCV000236639.12), dbSNP rs878853468, ClinGen allele CA10582338.